The following is an entry in ClinVar:

NM_021830.5(TWNK):c.290C>G (p.Thr97Ser)

Gene: TWNK (twinkle mtDNA helicase; plus strand). Cytogenetic location: 10q24.31.
Variant type: single nucleotide variant.
Coding change: c.290C>G on transcript NM_021830.5 (MANE Select); coding-DNA position 290, C replaced by G.
Protein change: p.Thr97Ser; replaces threonine 97 with serine.
Molecular consequence: missense variant. On other transcripts: non-coding transcript variant (4), intron variant (3).
Genome position (GRCh38, 1-based): chr10:100,988,500, C>G. VCF-style: chr10-100988500-C-G. GRCh37 (hg19) VCF-style: chr10-102748257-C-G.
Other names: c.290C>G, p.Thr97Ser (NM_001163812.2); c.-120+887C>G (NM_001163814.2, NM_001163813.2); c.-58+887C>G (NM_001368275.1); short protein forms T97S.
Identifiers: ClinVar variation 1514850 (VCV001514850.8), dbSNP rs772751928, ClinGen allele CA5653048.

ClinVar aggregate classification (germline): Uncertain significance (1 of 4 stars; one submission).

Allele frequency attached by ClinVar (database versions not stated): ExAC 0.00001; gnomAD 0.00003.

Submission:

Labcorp Genetics (formerly Invitae), Labcorp
Classification: Uncertain significance. Last evaluated: 2024-01-29. Review status: criteria provided, single submitter. Criteria: Invitae Variant Classification Sherloc (09022015). Collection method: clinical testing. Allele origin: germline.
Comment: This sequence change replaces threonine, which is neutral and polar, with serine, which is neutral and polar, at codon 97 of the TWNK protein (p.Thr97Ser). This variant is present in population databases (rs772751928, gnomAD 0.0009%). This variant has not been reported in the literature in individuals affected with TWNK-related conditions. ClinVar contains an entry for this variant (Variation ID: 1514850). Advanced modeling of protein sequence and biophysical properties (such as structural, functional, and spatial information, amino acid conservation, physicochemical variation, residue mobility, and thermodynamic stability) performed at Invitae indicates that this missense variant is not expected to disrupt TWNK protein function with a negative predictive value of 95%. In summary, the available evidence is currently insufficient to determine the role of this variant in disease. Therefore, it has been classified as a Variant of Uncertain Significance.